The following is an entry in ClinVar:

ClinVar aggregate classification (germline): Uncertain significance. Review status: criteria provided, multiple submitters, no conflicts (2 of 4 stars). 3 submissions from 3 submitters: Uncertain significance (3). Last evaluated 2026-01-11.

Conditions:
Hereditary cancer-predisposing syndrome. Also called: Hereditary neoplastic syndrome; Tumor predisposition; Neoplastic Syndromes, Hereditary; Hereditary Cancer Syndrome. Identifiers: Orphanet 140162, MedGen C0027672, MeSH D009386, MONDO:0015356.
Neuroblastoma, susceptibility to, 3. Also called: ALK-Related Neuroblastic Tumor Susceptibility. Identifiers: Orphanet 635, MedGen C2751681, MONDO:0013083, OMIM 613014.

Allele frequency attached by ClinVar (database versions not stated): gnomAD 0.00001.
gnomAD v4.1: 5 of 1,613,956 alleles (0.00031%); highest among the groups gnomAD compares: African/African-American, 0.0027%; no homozygotes.

Submissions (3):

Labcorp Genetics (formerly Invitae), Labcorp
Classification: Uncertain significance for Neuroblastoma, susceptibility to, 3. Last evaluated: 2026-01-11. Review status: criteria provided, single submitter. Criteria: Invitae Variant Classification Sherloc (09022015). Collection method: clinical testing. Allele origin: germline.
Comment: This sequence change replaces isoleucine, which is neutral and non-polar, with threonine, which is neutral and polar, at codon 1022 of the ALK protein (p.Ile1022Thr). This variant is present in population databases (rs778643763, gnomAD 0.003%). This variant has not been reported in the literature in individuals affected with ALK-related conditions. ClinVar contains an entry for this variant (Variation ID: 857306). An algorithm developed to predict the effect of missense changes on protein structure and function (PolyPhen-2) suggests that this variant is likely to be tolerated. In summary, the available evidence is currently insufficient to determine the role of this variant in disease. Therefore, it has been classified as a Variant of Uncertain Significance.

Ambry Genetics
Classification: Uncertain significance for Hereditary cancer-predisposing syndrome. Last evaluated: 2025-08-05. Review status: criteria provided, single submitter. Criteria: Ambry Variant Classification Scheme 2023. Collection method: clinical testing. Allele origin: germline.
Comment: The p.I1022T variant (also known as c.3065T>C), located in coding exon 18 of the ALK gene, results from a T to C substitution at nucleotide position 3065. The isoleucine at codon 1022 is replaced by threonine, an amino acid with similar properties. This amino acid position is conserved. In addition, this alteration is predicted to be tolerated by in silico analysis. Since supporting evidence is limited at this time, the clinical significance of this alteration remains unclear.

GeneDx
Classification: Uncertain significance. Last evaluated: 2023-11-29. Review status: criteria provided, single submitter. Criteria: GeneDx Variant Classification Process June 2021. Collection method: clinical testing. Allele origin: germline. Affected: yes.
Comment: Not observed at significant frequency in large population cohorts (gnomAD); In silico analysis supports that this missense variant does not alter protein structure/function; Has not been previously published as pathogenic or benign to our knowledge

NM_004304.5(ALK):c.3065T>C (p.Ile1022Thr)

Gene: ALK (ALK receptor tyrosine kinase; minus strand). Cytogenetic location: 2p23.2.
Variant type: single nucleotide variant.
Coding change: c.3065T>C on transcript NM_004304.5 (MANE Select); coding-DNA position 3065, T replaced by C.
Protein change: p.Ile1022Thr; replaces isoleucine 1022 with threonine.
Molecular consequence: missense variant.
Genome position (GRCh38, 1-based): chr2:29,226,924, A>G on the plus strand (T>C on the coding strand, the complement: ALK is on the minus strand). VCF-style: chr2-29226924-A-G. GRCh37 (hg19) VCF-style: chr2-29449790-A-G.
Other names: short protein forms I1022T.
Identifiers: ClinVar variation 857306 (VCV000857306.13), dbSNP rs778643763, ClinGen allele CA1594103.